The following continues an entry in ClinVar:

NM_000552.5(VWF):c.3943C>T (p.Arg1315Cys)

Gene: VWF. ClinVar aggregate classification (germline): Pathogenic/Likely pathogenic. Pathogenic (7); Likely pathogenic (3).

Submissions 8 to 13 of 13:

ARUP Laboratories, Molecular Genetics and Genomics, ARUP Laboratories
Classification: Likely pathogenic. Last evaluated: 2024-11-14. Review status: criteria provided, single submitter. Criteria: ARUP Molecular Germline Variant Investigation Process 2024. Collection method: clinical testing. Allele origin: germline.
Comment: The VWF c.3943C>T; p.Arg1315Cys variant (rs61749395, ClinVar Variation ID: 100310) is reported in the literature in several individuals and families affected with von Willebrand disease (VWD) types 1, 2A, and 2M (selected references: Borras 2017, Casana 1998, Goodeve 2007, James 2007, Maas 2022, Ribba 2001, Robertson 2011, Seidizadeh 2024, Starke 2013). This variant is also reported in one homozygous individual and one compound heterozygous individual with VWD type 3 (Elayaperumal 2018, Zhang 1995). The p.Arg1315Cys variant is absent from the Genome Aggregation Database (v2.1.1), indicating it is not a common polymorphism. Additionally, other amino acid substitutions at this codon (Gly, His, Leu, Pro) have been reported in individuals with VWD (Elayaperumal 2018, Goodeve 2007, Veyradier 2016). Computational analyses predict that the p.Arg1315Cys variant is deleterious (REVEL: 0.769). Functional analyses show decreased mRNA and protein expression, loss of high-molecular and intermediate-molecular weight multimers, significant decrease in platelet binding, and increased retention in Weibel-Palade bodies (Ribba 2001, Starke 2013). Based on available information, this variant is considered to be likely pathogenic. References: Borras N et al. Molecular and clinical profile of von Willebrand disease in Spain (PCM-EVW-ES): comprehensive genetic analysis by next-generation sequencing of 480 patients. Haematologica. 2017 Dec;102(12):2005-2014. PMID: 28971901. Casana P et al. Search for mutations in a segment of the exon 28 of the human von Willebrand factor gene: new mutations, R1315C and R1341W, associated with type 2M and 2B variants. Am J Hematol. 1998 Sep;59(1):57-63. PMID: 9723578. Elayaperumal S et al. Type-3 von Willebrand disease in India-Clinical spectrum and molecular profile. Haemophilia. 2018 Nov;24(6):930-940. PMID: 29984440. Goodeve A et al. Phenotype and genotype of a cohort of families historically diagnosed with type 1 von Willebrand disease in the European study, Molecular and Clinical Markers for the Diagnosis and Management of Type 1 von Willebrand Disease (MCMDM-1VWD). Blood. 2007 Jan 1;109(1):112-21. PMID: 16985174. James PD et al. The mutational spectrum of type 1 von Willebrand disease: Results from a Canadian cohort study. Blood. 2007 Jan 1;109(1):145-54. PMID: 17190853. Maas DPMSM et al. Von Willebrand disease type 2M: Correlation between genotype and phenotype. J Thromb Haemost. 2022 Feb;20(2):316-327. PMID: 34758185. Ribba AN et al. The arginine-552-cysteine (R1315C) mutation within the A1 loop of von Willebrand factor induces an abnormal folding with a loss of function resulting in type 2A-like phenotype of von Willebrand disease: study of 10 patients and mutated recombinant von Willebrand factor. Blood. 2001 Feb 15;97(4):952-9. PMID: 11159522. Robertson JD et al. Expanded phenotype-genotype correlations in a pediatric population with type 1 von Willebrand disease. J Thromb Haemost. 2011 Sep;9(9):1752-60. PMID: 21711445. Seidizadeh O et al. Type 2M/2A von Willebrand disease: a shared phenotype between type 2M and 2A. Blood Adv. 2024 Apr 9;8(7):1725-1736. PMID: 38315875. Starke RD et al. Cellular and molecular basis of von Willebrand disease: studies on blood outgrowth endothelial cells. Blood. 2013 Apr 4;121(14):2773-84. PMID: 23355534. Veyradier A et al. A Laboratory Phenotype/Genotype Correlation of 1167 French Patients From 670 Families With von Willebrand Disease: A New Epidemiologic Picture. Medicine (Baltimore). 2016 Mar;95(11):e3038. PMID: 26986123 Zhang Z et al. Effects of the mutant von Willebrand factor gene in von Willebrand disease. Hum Genet. 1995 Oct;96(4):388-94. PMID: 7557958.

Laboratory of Hematology, Radboud University Medical Center
Classification: Pathogenic for von Willebrand disease type 1. Last evaluated: 2020-12-10. Review status: criteria provided, single submitter. Criteria: ACMG Guidelines, 2015. Collection method: research. Allele origin: germline. Affected: yes. Observed: 1 variant allele. Study: WIN study.

NIHR Bioresource Rare Diseases, University of Cambridge
Classification: Likely pathogenic for von Willebrand disorder. Last evaluated: 2019-02-01. Review status: criteria provided, single submitter. Criteria: ACMG Guidelines, 2015. Collection method: research. Allele origin: unknown. Affected: yes. Observed: 2 heterozygotes. Study: ThromboGenomics.

Angelo Bianchi Bonomi Hemophilia and Thrombosis Center, Fondazione IRCCS Ca Granda Ospedale Maggiore Policlinico
Classification: Pathogenic for von Willebrand disease type 2. Last evaluated: 2022-04-26. Review status: no assertion criteria provided. Collection method: clinical testing. Allele origin: germline. Affected: yes. Not counted in ClinVar's aggregate classification.

Academic Unit of Haematology, University of Sheffield
No classification provided. Review status: no classification provided. Collection method: not provided. Allele origin: not provided. Not counted in ClinVar's aggregate classification.

ISTH-SSC Genomics in Thrombosis and Hemostasis, KU Leuven, Center for Molecular and Vascular Biology
Classification: Pathogenic for von Willebrand disorder. Review status: no assertion criteria provided. Collection method: clinical testing. Allele origin: germline. Affected: yes. Not counted in ClinVar's aggregate classification.
Comment: Submitted to GoldVariant by Bilal Jradeh from Katharine Dormandy Haemophilia and Thrombosis Centre, Royal Free Hospital, London, UK

Literature cited by the submitters: PubMed 11159522 (cited by 3 submitters); PubMed 16985174 (cited by Ambry Genetics and Women's Health and Genetics/Laboratory Corporation of America, LabCorp); PubMed 17190853 (cited by 3 submitters); PubMed 22329792 (cited by Ambry Genetics); PubMed 29984440 (cited by 3 submitters); PubMed 40393667 (cited by Ambry Genetics); PubMed 35531770 (cited by Quest Diagnostics Nichols Institute San Juan Capistrano); PubMed 35452508 (cited by Quest Diagnostics Nichols Institute San Juan Capistrano and Mayo Clinic Laboratories, Mayo Clinic); PubMed 36299619 (cited by Quest Diagnostics Nichols Institute San Juan Capistrano and Mayo Clinic Laboratories, Mayo Clinic); PubMed 37215093 (cited by Quest Diagnostics Nichols Institute San Juan Capistrano); PubMed 38315875 (cited by Quest Diagnostics Nichols Institute San Juan Capistrano and Mayo Clinic Laboratories, Mayo Clinic); PubMed 34494337 (cited by Quest Diagnostics Nichols Institute San Juan Capistrano); PubMed 27443694 (cited by Quest Diagnostics Nichols Institute San Juan Capistrano); PubMed 27766062 (cited by Quest Diagnostics Nichols Institute San Juan Capistrano); PubMed 31249928 (cited by Quest Diagnostics Nichols Institute San Juan Capistrano); PubMed 9723578 (cited by 3 submitters); PubMed 33556167 (cited by Quest Diagnostics Nichols Institute San Juan Capistrano); PubMed 34758185 (cited by Quest Diagnostics Nichols Institute San Juan Capistrano); PubMed 31064749 (cited by Quest Diagnostics Nichols Institute San Juan Capistrano and NIHR Bioresource Rare Diseases, University of Cambridge); PubMed 21711445 (cited by Quest Diagnostics Nichols Institute San Juan Capistrano and Mayo Clinic Laboratories, Mayo Clinic); PubMed 21794096 (cited by Quest Diagnostics Nichols Institute San Juan Capistrano); PubMed 23355534 (cited by 3 submitters); PubMed 28536718 (cited by Quest Diagnostics Nichols Institute San Juan Capistrano and Mayo Clinic Laboratories, Mayo Clinic); PubMed 8088787 (cited by Quest Diagnostics Nichols Institute San Juan Capistrano and Mayo Clinic Laboratories, Mayo Clinic); PubMed 30817071 (cited by Quest Diagnostics Nichols Institute San Juan Capistrano); PubMed 18805962 (cited by Women's Health and Genetics/Laboratory Corporation of America, LabCorp); PubMed 11686105 (cited by Mayo Clinic Laboratories, Mayo Clinic); PubMed 19404524 (cited by Mayo Clinic Laboratories, Mayo Clinic); PubMed 24750681 (cited by Mayo Clinic Laboratories, Mayo Clinic); PubMed 26988807 (cited by Mayo Clinic Laboratories, Mayo Clinic); PubMed 27386134 (cited by Mayo Clinic Laboratories, Mayo Clinic); PubMed 31240882 (cited by Mayo Clinic Laboratories, Mayo Clinic).